The following is an entry in ClinVar:

NM_006502.3(POLH):c.815T>C (p.Ile272Thr)

Gene: POLH (DNA polymerase eta; plus strand). Cytogenetic location: 6p21.1.
Variant type: single nucleotide variant.
Coding change: c.815T>C on transcript NM_006502.3 (MANE Select); coding-DNA position 815, T replaced by C.
Protein change: p.Ile272Thr; replaces isoleucine 272 with threonine.
Molecular consequence: missense variant.
Genome position (GRCh38, 1-based): chr6:43,603,942, T>C. VCF-style: chr6-43603942-T-C. GRCh37 (hg19) VCF-style: chr6-43571679-T-C.
Other names: c.443T>C, p.Ile148Thr (NM_001291969.2); c.815T>C, p.Ile272Thr (NM_001291970.2); short protein forms I272T, I148T.
Identifiers: ClinVar variation 909632 (VCV000909632.36), dbSNP rs147712217, ClinGen allele CA3827088.
Genomic context (GRCh38, chr6:43,603,942, plus strand): 5'-TTGTTATCAGCCGTAGTCTTGGAGGAAAGCTAGGGGCCTCTGTCATTGAGATCCTAGGGA[T>C]AGAATACATGGGTGAACTGACCCAGTTCACTGAATCCCAGCTCCAGAGTCATTTTGGGGA-3'
Protein context (NP_006493.1, residues 262-282): LGASVIEILG[Ile272Thr]EYMGELTQFT

ClinVar aggregate classification (germline): Conflicting classifications of pathogenicity. Review status: criteria provided, conflicting classifications (1 of 4 stars). 4 submissions from 4 submitters: Uncertain significance (1); Benign (1); Likely benign (2). Last evaluated 2026-06-01.

Conditions:
Xeroderma pigmentosum (XP). Identifiers: Orphanet 910, MedGen C0043346, MONDO:0019600.
Xeroderma pigmentosum variant type. Also called: PHOTOSENSITIVITY WITH DEFECTIVE DNA SYNTHESIS; XERODERMA PIGMENTOSUM WITH NORMAL DNA REPAIR RATES; POLH-Related Xeroderma Pigmentosum. Identifiers: Orphanet 90342, MedGen C1848410, MONDO:0010214, OMIM 278750.

Allele frequency attached by ClinVar (database versions not stated): ESP Exome Variant Server 0.00054; gnomAD 0.00055 and 0.00071; 1000 Genomes Project 30x 0.00062; TOPMed 0.00070; 1000 Genomes Project 0.00080; ExAC 0.00111; gnomAD exomes 0.00114 and 0.00131.
gnomAD v4.1: 2,014 of 1,612,916 alleles (0.12%); highest among the groups gnomAD compares: South Asian, 0.49%; 7 homozygotes.

Submissions (4):

CeGaT Center for Human Genetics Tuebingen
Classification: Likely benign. Last evaluated: 2026-06-01. Review status: criteria provided, single submitter. Criteria: CeGaT Center For Human Genetics Tuebingen Variant Classification Criteria Version 2. Collection method: clinical testing. Allele origin: germline. Affected: yes. Observed: 9 variant alleles.
Comment: POLH: BP4, BS2

Labcorp Genetics (formerly Invitae), Labcorp
Classification: Benign. Last evaluated: 2026-01-29. Review status: criteria provided, single submitter. Criteria: Invitae Variant Classification Sherloc (09022015). Collection method: clinical testing. Allele origin: germline.

Sema4
Classification: Likely benign for Xeroderma pigmentosum. Last evaluated: 2022-02-26. Review status: criteria provided, single submitter. Criteria: Sema4 Curation Guidelines. Collection method: curation. Allele origin: germline.

Illumina Laboratory Services, Illumina
Classification: Uncertain significance for Xeroderma pigmentosum variant type. Last evaluated: 2017-04-27. Review status: criteria provided, single submitter. Criteria: ICSL Variant Classification Criteria 13 December 2019. Collection method: clinical testing. Allele origin: germline.